The following is an entry in ClinVar:

ClinVar aggregate classification (germline): Uncertain significance. Review status: criteria provided, multiple submitters, no conflicts (2 of 4 stars). 5 submissions from 5 submitters: Uncertain significance (5). Last evaluated 2024-10-09.

Conditions:
Inborn genetic diseases. Identifiers: MedGen C0950123, MeSH D030342.

Allele frequency attached by ClinVar (database versions not stated): gnomAD exomes 0.00006; ExAC 0.00008; ESP Exome Variant Server 0.00008; gnomAD 0.00010 and 0.00011; TOPMed 0.00014.
gnomAD v4.1: 48 of 1,611,688 alleles (0.003%); highest among the groups gnomAD compares: East Asian, 0.027%; no homozygotes.

Submissions (5):

Blueprint Genetics
Classification: Uncertain significance. Last evaluated: 2024-10-09. Review status: criteria provided, single submitter. Criteria: ACMG Guidelines, 2015. Collection method: clinical testing. Allele origin: germline.

GeneDx
Classification: Uncertain significance. Last evaluated: 2024-06-26. Review status: criteria provided, single submitter. Criteria: GeneDx Variant Classification Process June 2021. Collection method: clinical testing. Allele origin: germline. Affected: yes.
Comment: In silico analysis indicates that this missense variant does not alter protein structure/function; Has not been previously published as pathogenic or benign to our knowledge

Genetic Services Laboratory, University of Chicago
Classification: Uncertain significance. Last evaluated: 2017-01-29. Review status: criteria provided, single submitter. Criteria: ACMG Guidelines, 2015. Collection method: clinical testing. Allele origin: germline. Affected: no.

Ambry Genetics
Classification: Uncertain significance for Inborn genetic diseases. Last evaluated: 2016-11-16. Review status: criteria provided, single submitter. Criteria: Ambry Variant Classification Scheme 2023. Collection method: clinical testing. Allele origin: germline.
Comment: The p.R911G variant (also known as c.2731C>G), located in coding exon 27 of the CC2D1A gene, results from a C to G substitution at nucleotide position 2731. The arginine at codon 911 is replaced by glycine, an amino acid with dissimilar properties. This variant was previously reported in the SNPDatabase as rs200848845. Based on data from the NHLBI Exome Sequencing Project (ESP), the G allele has an overall frequency of approximately 0.01% (1/12186) total alleles studied, having been observed in 0.03% (1/3922) African American alleles. This amino acid position is well conserved in available vertebrate species. In addition, this alteration is predicted to be tolerated by in silico analysis. Since supporting evidence is limited at this time, the clinical significance of this variant remains unclear.

Breakthrough Genomics
Classification: Uncertain significance. Review status: criteria provided, single submitter. Criteria: ACMG Guidelines, 2015. Collection method: not provided. Allele origin: germline. Inheritance: Autosomal dominant inheritance. Affected: yes.

NM_017721.5(CC2D1A):c.2731C>G (p.Arg911Gly)

Gene: CC2D1A (coiled-coil and C2 domain containing 1A; plus strand). Cytogenetic location: 19p13.12.
Variant type: single nucleotide variant.
Coding change: c.2731C>G on transcript NM_017721.5 (MANE Select); coding-DNA position 2731, C replaced by G.
Protein change: p.Arg911Gly; replaces arginine 911 with glycine.
Molecular consequence: missense variant.
Genome position (GRCh38, 1-based): chr19:13,930,098, C>G. VCF-style: chr19-13930098-C-G. GRCh37 (hg19) VCF-style: chr19-14040911-C-G.
Other names: short protein forms R911G.
Identifiers: ClinVar variation 434609 (VCV000434609.13), dbSNP rs200848845, ClinGen allele CA9245196.